The following is an entry in ClinVar:

NM_005188.4(CBL):c.1726G>A (p.Asp576Asn)

Gene: CBL (Cbl proto-oncogene; plus strand). Cytogenetic location: 11q23.3.
Variant type: single nucleotide variant.
Coding change: c.1726G>A on transcript NM_005188.4 (MANE Select); coding-DNA position 1726, G replaced by A.
Protein change: p.Asp576Asn; replaces aspartic acid 576 with asparagine.
Molecular consequence: missense variant.
Genome position (GRCh38, 1-based): chr11:119,285,351, G>A. VCF-style: chr11-119285351-G-A. GRCh37 (hg19) VCF-style: chr11-119156061-G-A.
Other names: short protein forms D576N.
Identifiers: ClinVar variation 4613869 (VCV004613869.1).

ClinVar aggregate classification (germline): Uncertain significance (1 of 4 stars; one submission).

Conditions:
Cardiovascular phenotype. Identifiers: MedGen CN230736.

gnomAD v4.1: 2 of 1,614,162 alleles (0.00012%); highest among the groups gnomAD compares: East Asian, 0.0022%; no homozygotes.

Submission:

Ambry Genetics
Classification: Uncertain significance for Cardiovascular phenotype. Last evaluated: 2025-11-11. Review status: criteria provided, single submitter. Criteria: Ambry Variant Classification Scheme 2023. Collection method: clinical testing. Allele origin: germline.
Comment: The p.D576N variant (also known as c.1726G>A), located in coding exon 11 of the CBL gene, results from a G to A substitution at nucleotide position 1726. The aspartic acid at codon 576 is replaced by asparagine, an amino acid with highly similar properties. This amino acid position is conserved. In addition, the in silico prediction for this alteration is inconclusive. Based on the available evidence, the clinical significance of this variant remains unclear.